The following is an entry in ClinVar:

NM_001903.5(CTNNA1):c.2509T>C (p.Tyr837His)

Gene: CTNNA1 (catenin alpha 1; plus strand). Cytogenetic location: 5q31.2.
Variant type: single nucleotide variant.
Coding change: c.2509T>C on transcript NM_001903.5 (MANE Select); coding-DNA position 2509, T replaced by C.
Protein change: p.Tyr837His; replaces tyrosine 837 with histidine.
Molecular consequence: missense variant. On other transcripts: 3 prime UTR variant (5).
Genome position (GRCh38, 1-based): chr5:138,933,877, T>C. VCF-style: chr5-138933877-T-C. GRCh37 (hg19) VCF-style: chr5-138269566-T-C.
Other names: c.1399T>C, p.Tyr467His (NM_001323995.1, NM_001323996.1, NM_001323997.1 and 12 more transcripts); c.1264T>C, p.Tyr422His (NM_001324001.1); c.*54T>C (NM_001324002.1, NM_001324003.1, NM_001324004.1 and 2 more transcripts); c.1156T>C, p.Tyr386His (NM_001324013.1, NM_001324012.1); c.1060T>C, p.Tyr354His (NM_001324007.1, NM_001324008.1, NM_001324009.1 and 2 more transcripts); c.1306T>C, p.Tyr436His (NM_001324011.1); c.2200T>C, p.Tyr734His (NM_001290309.3); c.2140T>C, p.Tyr714His (NM_001290310.3); and 3 more; short protein forms Y806H, Y436H, Y734H, Y828H, Y422H, Y354H, Y386H, Y467H.
Identifiers: ClinVar variation 4235646 (VCV004235646.2).

ClinVar aggregate classification (germline): Uncertain significance. Review status: criteria provided, multiple submitters, no conflicts (2 of 4 stars). 2 submissions from 2 submitters: Uncertain significance (2). Last evaluated 2025-08-04.

Conditions:
Hereditary cancer-predisposing syndrome. Also called: Hereditary Cancer Syndrome; Hereditary neoplastic syndrome; Neoplastic Syndromes, Hereditary; Tumor predisposition. Identifiers: Orphanet 140162, MedGen C0027672, MeSH D009386, MONDO:0015356.

Submissions (2):

Ambry Genetics
Classification: Uncertain significance for Hereditary cancer-predisposing syndrome. Last evaluated: 2025-08-04. Review status: criteria provided, single submitter. Criteria: Ambry Variant Classification Scheme 2023. Collection method: clinical testing. Allele origin: germline.
Comment: The p.Y837H variant (also known as c.2509T>C), located in coding exon 17 of the CTNNA1 gene, results from a T to C substitution at nucleotide position 2509. The tyrosine at codon 837 is replaced by histidine, an amino acid with similar properties. This amino acid position is conserved. In addition, the in silico prediction for this alteration is inconclusive. Based on the available evidence, the clinical significance of this variant remains unclear.

Labcorp Genetics (formerly Invitae), Labcorp
Classification: Uncertain significance. Last evaluated: 2025-03-20. Review status: criteria provided, single submitter. Criteria: Invitae Variant Classification Sherloc (09022015). Collection method: clinical testing. Allele origin: germline.
Comment: This sequence change replaces tyrosine, which is neutral and polar, with histidine, which is basic and polar, at codon 837 of the CTNNA1 protein (p.Tyr837His). This variant is not present in population databases (gnomAD no frequency). This variant has not been reported in the literature in individuals affected with CTNNA1-related conditions. Invitae Evidence Modeling of protein sequence and biophysical properties (such as structural, functional, and spatial information, amino acid conservation, physicochemical variation, residue mobility, and thermodynamic stability) indicates that this missense variant is not expected to disrupt CTNNA1 protein function with a negative predictive value of 80%. In summary, the available evidence is currently insufficient to determine the role of this variant in disease. Therefore, it has been classified as a Variant of Uncertain Significance.